The following is an entry in ClinVar:

NM_024301.5(FKRP):c.97A>G (p.Asn33Asp)

Gene: FKRP (fukutin related protein; plus strand). Cytogenetic location: 19q13.32.
Variant type: single nucleotide variant.
Coding change: c.97A>G on transcript NM_024301.5 (MANE Select); coding-DNA position 97, A replaced by G.
Protein change: p.Asn33Asp; replaces asparagine 33 with aspartic acid.
Molecular consequence: missense variant.
Genome position (GRCh38, 1-based): chr19:46,755,547, A>G. VCF-style: chr19-46755547-A-G. GRCh37 (hg19) VCF-style: chr19-47258804-A-G.
Other names: c.97A>G, p.Asn33Asp (NM_001039885.3); c.97A>G (NM_024301.4); short protein forms N33D.
Identifiers: ClinVar variation 2005602 (VCV002005602.2), dbSNP rs2513984856, ClinGen allele CA406494661.

ClinVar aggregate classification (germline): Uncertain significance. Review status: criteria provided, multiple submitters, no conflicts (2 of 4 stars). 2 submissions from 2 submitters: Uncertain significance (2). Last evaluated 2024-07-11.

Conditions:
Walker-Warburg congenital muscular dystrophy. Also called: Muscular dystrophy-dystroglycanopathy, type A; Walker-Warburg syndrome. Identifiers: Orphanet 899, MedGen C0265221, MONDO:0000171.
Cardiovascular phenotype. Identifiers: MedGen CN230736.

Submissions (2):

Ambry Genetics
Classification: Uncertain significance for Cardiovascular phenotype. Last evaluated: 2024-07-11. Review status: criteria provided, single submitter. Criteria: Ambry Variant Classification Scheme 2023. Collection method: clinical testing. Allele origin: germline.
Comment: The p.N33D variant (also known as c.97A>G), located in coding exon 1 of the FKRP gene, results from an A to G substitution at nucleotide position 97. The asparagine at codon 33 is replaced by aspartic acid, an amino acid with highly similar properties. This amino acid position is conserved. In addition, this alteration is predicted to be tolerated by in silico analysis. Based on the available evidence, the clinical significance of this variant remains unclear.

Labcorp Genetics (formerly Invitae), Labcorp
Classification: Uncertain significance for Walker-Warburg congenital muscular dystrophy. Last evaluated: 2022-06-14. Review status: criteria provided, single submitter. Criteria: Invitae Variant Classification Sherloc (09022015). Collection method: clinical testing. Allele origin: germline.
Comment: This sequence change replaces asparagine, which is neutral and polar, with aspartic acid, which is acidic and polar, at codon 33 of the FKRP protein (p.Asn33Asp). This variant is not present in population databases (gnomAD no frequency). This variant has not been reported in the literature in individuals affected with FKRP-related conditions. Algorithms developed to predict the effect of missense changes on protein structure and function (SIFT, PolyPhen-2, Align-GVGD) all suggest that this variant is likely to be tolerated. In summary, the available evidence is currently insufficient to determine the role of this variant in disease. Therefore, it has been classified as a Variant of Uncertain Significance.